The following is an entry in ClinVar:

ClinVar aggregate classification (germline): Uncertain significance (1 of 4 stars; one submission).

Conditions:
Cardiovascular phenotype. Identifiers: MedGen CN230736.

Allele frequency attached by ClinVar (database versions not stated): TOPMed 0.00002; gnomAD 0.00001.
gnomAD v4.1: 3 of 1,533,272 alleles (0.0002%); highest among the groups gnomAD compares: African/African-American, 0.0043%; no homozygotes.

Submission:

Ambry Genetics
Classification: Uncertain significance for Cardiovascular phenotype. Last evaluated: 2025-05-07. Review status: criteria provided, single submitter. Criteria: Ambry Variant Classification Scheme 2023. Collection method: clinical testing. Allele origin: germline.
Comment: The c.-2C>T variant is located in the 5' untranslated region (5&rsquo; UTR) of the TXNRD2 gene. This variant results from a C to T substitution 2 nucleotides upstream from the first translated codon. This nucleotide position is well conserved in available vertebrate species. The evidence for this gene-disease relationship is limited; therefore, the clinical significance of this alteration is unclear.

NM_006440.5(TXNRD2):c.-2C>T

Genes: COMT (catechol-O-methyltransferase; plus strand), TXNRD2 (thioredoxin reductase 2; minus strand). Cytogenetic location: 22q11.21.
Variant type: single nucleotide variant.
Coding change: c.-2C>T on transcript NM_006440.5 (MANE Select); 2 bases upstream of the start codon, C replaced by T.
Molecular consequence: 5 prime UTR variant. On other transcripts: non-coding transcript variant (1).
Genome position (GRCh38, 1-based): chr22:19,941,805, G>A on the plus strand (C>T on the coding strand, the complement: TXNRD2 is on the minus strand). VCF-style: chr22-19941805-G-A. GRCh37 (hg19) VCF-style: chr22-19929328-G-A.
Other names: c.-2C>T (NM_001282512.3, NM_001352300.2); c.-184G>A (NM_000754.4); c.-478G>A (NM_001362828.2).
Identifiers: ClinVar variation 1798657 (VCV001798657.3), dbSNP rs1465316102, ClinGen allele CA638371129.